The following is an entry in ClinVar:

NM_007129.5(ZIC2):c.417C>G (p.Phe139Leu)

Gene: ZIC2 (Zic family member 2; plus strand). Cytogenetic location: 13q32.3.
Variant type: single nucleotide variant.
Coding change: c.417C>G on transcript NM_007129.5 (MANE Select); coding-DNA position 417, C replaced by G.
Protein change: p.Phe139Leu; replaces phenylalanine 139 with leucine.
Molecular consequence: missense variant.
Genome position (GRCh38, 1-based): chr13:99,982,481, C>G. VCF-style: chr13-99982481-C-G. GRCh37 (hg19) VCF-style: chr13-100634735-C-G.
Other names: short protein forms F139L.
Identifiers: ClinVar variation 1314690 (VCV001314690.3), dbSNP rs2152162454, ClinGen allele CA388637247.

ClinVar aggregate classification (germline): Uncertain significance (1 of 4 stars; one submission).

gnomAD v4.1: 1 of 1,465,084 alleles (0.000068%); highest among the groups gnomAD compares: Non-Finnish European, 0.00009%; no homozygotes.

Submission:

GeneDx
Classification: Uncertain significance. Last evaluated: 2022-02-14. Review status: criteria provided, single submitter. Criteria: GeneDx Variant Classification Process June 2021. Collection method: clinical testing. Allele origin: germline. Affected: yes.
Comment: Not observed at significant frequency in large population cohorts (gnomAD); In silico analysis supports that this missense variant has a deleterious effect on protein structure/function; Has not been previously published as pathogenic or benign to our knowledge